The following is an entry in ClinVar:

ClinVar aggregate classification (germline): Uncertain significance (1 of 4 stars; one submission).

Conditions:
Inborn genetic diseases. Identifiers: MedGen C0950123, MeSH D030342.

Submission:

Ambry Genetics
Classification: Uncertain significance for Inborn genetic diseases. Last evaluated: 2025-02-21. Review status: criteria provided, single submitter. Criteria: Ambry Variant Classification Scheme 2023. Collection method: clinical testing. Allele origin: germline.
Comment: The p.K125N variant (also known as c.375G>C), located in coding exon 3 of the SBDS gene, results from a G to C substitution at nucleotide position 375. The lysine at codon 125 is replaced by asparagine, an amino acid with similar properties. This amino acid position is conserved. In addition, the in silico prediction for this alteration is inconclusive. Based on the available evidence, the clinical significance of this variant remains unclear.

NM_016038.4(SBDS):c.375G>C (p.Lys125Asn)

Gene: SBDS (SBDS ribosome maturation factor; minus strand). Cytogenetic location: 7q11.21.
Variant type: single nucleotide variant.
Coding change: c.375G>C on transcript NM_016038.4 (MANE Select); coding-DNA position 375, G replaced by C.
Protein change: p.Lys125Asn; replaces lysine 125 with asparagine.
Molecular consequence: missense variant.
Genome position (GRCh38, 1-based): chr7:66,993,301, C>G on the plus strand (G>C on the coding strand, the complement: SBDS is on the minus strand). VCF-style: chr7-66993301-C-G. GRCh37 (hg19) VCF-style: chr7-66458288-C-G.
Other names: short protein forms K125N.
Identifiers: ClinVar variation 3792746 (VCV003792746.1).